The following is an entry in ClinVar:

ClinVar aggregate classification (germline): Uncertain significance (1 of 4 stars; one submission).

Conditions:
Cardiovascular phenotype. Identifiers: MedGen CN230736.

Submission:

Ambry Genetics
Classification: Uncertain significance for Cardiovascular phenotype. Last evaluated: 2023-12-31. Review status: criteria provided, single submitter. Criteria: Ambry Variant Classification Scheme 2023. Collection method: clinical testing. Allele origin: germline.
Comment: The p.V160L variant (also known as c.478G>C), located in coding exon 1 of the FKRP gene, results from a G to C substitution at nucleotide position 478. The valine at codon 160 is replaced by leucine, an amino acid with highly similar properties. This amino acid position is conserved. In addition, the in silico prediction for this alteration is inconclusive. Since supporting evidence is limited at this time, the clinical significance of this alteration remains unclear.

NM_024301.5(FKRP):c.478G>C (p.Val160Leu)

Gene: FKRP (fukutin related protein; plus strand). Cytogenetic location: 19q13.32.
Variant type: single nucleotide variant.
Coding change: c.478G>C on transcript NM_024301.5 (MANE Select); coding-DNA position 478, G replaced by C.
Protein change: p.Val160Leu; replaces valine 160 with leucine.
Molecular consequence: missense variant.
Genome position (GRCh38, 1-based): chr19:46,755,928, G>C. VCF-style: chr19-46755928-G-C. GRCh37 (hg19) VCF-style: chr19-47259185-G-C.
Other names: c.478G>C, p.Val160Leu (NM_001039885.3); short protein forms V160L.
Identifiers: ClinVar variation 3227828 (VCV003227828.1), dbSNP rs1314476567, ClinGen allele CA406495404.